The following is an entry in ClinVar:

ClinVar aggregate classification (germline): Uncertain significance (1 of 4 stars; one submission).

Submission:

GeneDx
Classification: Uncertain significance. Last evaluated: 2024-05-29. Review status: criteria provided, single submitter. Criteria: GeneDx Variant Classification Process June 2021. Collection method: clinical testing. Allele origin: germline. Affected: yes.
Comment: Not observed at significant frequency in large population cohorts (gnomAD); In silico analysis indicates that this missense variant does not alter protein structure/function; Has not been previously published as pathogenic or benign to our knowledge

NM_001172509.2(SATB2):c.603G>T (p.Met201Ile)

Gene: SATB2 (SATB homeobox 2; minus strand). Cytogenetic location: 2q33.1.
Variant type: single nucleotide variant.
Coding change: c.603G>T on transcript NM_001172509.2 (MANE Select); coding-DNA position 603, G replaced by T.
Protein change: p.Met201Ile; replaces methionine 201 with isoleucine.
Molecular consequence: missense variant.
Genome position (GRCh38, 1-based): chr2:199,368,702, C>A on the plus strand (G>T on the coding strand, the complement: SATB2 is on the minus strand). VCF-style: chr2-199368702-C-A. GRCh37 (hg19) VCF-style: chr2-200233425-C-A.
Other names: c.603G>T, p.Met201Ile (NM_001172517.1, NM_015265.4); short protein forms M201I.
Identifiers: ClinVar variation 3383652 (VCV003383652.1).